The following is an entry in ClinVar:

ClinVar aggregate classification (germline): Uncertain significance. Review status: criteria provided, multiple submitters, no conflicts (2 of 4 stars). 3 submissions from 3 submitters: Uncertain significance (3). Last evaluated 2026-03-14.

Conditions:
KMT2A-related disorder. Also called: KMT2A-related condition.

Allele frequency attached by ClinVar (database versions not stated): ExAC 0.00001; gnomAD 0.00001; TOPMed 0.00002.
gnomAD v4.1: 11 of 1,614,058 alleles (0.00068%); highest among the groups gnomAD compares: Admixed American, 0.0067%; no homozygotes.

Submissions (3):

PreventionGenetics, part of Exact Sciences
Classification: Uncertain significance for KMT2A-related condition. Last evaluated: 2026-03-14. Review status: criteria provided, single submitter. Criteria: ACMG Guidelines, 2015. Collection method: clinical testing. Allele origin: germline.
Comment: The KMT2A c.2935A>G variant is predicted to result in the amino acid substitution p.Thr979Ala. To our knowledge, this variant has not been reported in the literature. This variant is reported in 0.0087% of alleles in individuals of Latino descent in gnomAD. Although we suspect that this variant may be benign, at this time, the clinical significance of this variant is uncertain due to the absence of conclusive functional and genetic evidence.

Women's Health and Genetics/Laboratory Corporation of America, LabCorp
Classification: Uncertain significance. Last evaluated: 2025-11-12. Review status: criteria provided, single submitter. Criteria: LabCorp Variant Classification Summary - May 2015. Collection method: clinical testing. Allele origin: germline.
Comment: Variant summary: KMT2A c.2935A>G (p.Thr979Ala) results in a non-conservative amino acid change in the encoded protein sequence. Algorithms developed to predict the effect of missense changes on protein structure and function are either unavailable or do not agree on the potential impact of this missense change. The variant allele was found at a frequency of 1.2e-05 in 251294 control chromosomes. The available data on variant occurrences in the general population are insufficient to allow any conclusion about variant significance. To our knowledge, no occurrence of c.2935A>G in individuals affected with KMT2A-related conditions and no experimental evidence demonstrating its impact on protein function have been reported. ClinVar contains an entry for this variant (Variation ID: 1922264). Based on the evidence outlined above, the variant was classified as uncertain significance.

Labcorp Genetics (formerly Invitae), Labcorp
Classification: Uncertain significance. Last evaluated: 2025-02-12. Review status: criteria provided, single submitter. Criteria: Invitae Variant Classification Sherloc (09022015). Collection method: clinical testing. Allele origin: germline.
Comment: This sequence change replaces threonine, which is neutral and polar, with alanine, which is neutral and non-polar, at codon 979 of the KMT2A protein (p.Thr979Ala). This variant is present in population databases (rs782226053, gnomAD 0.009%). This variant has not been reported in the literature in individuals affected with KMT2A-related conditions. ClinVar contains an entry for this variant (Variation ID: 1922264). Invitae Evidence Modeling of protein sequence and biophysical properties (such as structural, functional, and spatial information, amino acid conservation, physicochemical variation, residue mobility, and thermodynamic stability) indicates that this missense variant is not expected to disrupt KMT2A protein function with a negative predictive value of 95%. In summary, the available evidence is currently insufficient to determine the role of this variant in disease. Therefore, it has been classified as a Variant of Uncertain Significance.

NM_001197104.2(KMT2A):c.2935A>G (p.Thr979Ala)

Gene: KMT2A (lysine methyltransferase 2A; plus strand). Cytogenetic location: 11q23.3.
Variant type: single nucleotide variant.
Coding change: c.2935A>G on transcript NM_001197104.2 (MANE Select); coding-DNA position 2935, A replaced by G.
Protein change: p.Thr979Ala; replaces threonine 979 with alanine.
Molecular consequence: missense variant.
Genome position (GRCh38, 1-based): chr11:118,474,094, A>G. VCF-style: chr11-118474094-A-G. GRCh37 (hg19) VCF-style: chr11-118344809-A-G.
Other names: c.3034A>G, p.Thr1012Ala (NM_001412597.1); c.2935A>G, p.Thr979Ala (NM_005933.4); short protein forms T1012A, T979A.
Identifiers: ClinVar variation 1922264 (VCV001922264.7), dbSNP rs782226053, ClinGen allele CA6303581.